The following is an entry in ClinVar:

NM_020779.4(WDR35):c.1392G>T (p.Gly464=)

Gene: WDR35 (WD repeat domain 35; minus strand). Cytogenetic location: 2p24.1.
Variant type: single nucleotide variant.
Coding change: c.1392G>T on transcript NM_020779.4 (MANE Select); coding-DNA position 1392, G replaced by T.
Protein change: p.Gly464=; no amino-acid change (glycine 464 retained).
Molecular consequence: synonymous variant.
Genome position (GRCh38, 1-based): chr2:19,953,842, C>A on the plus strand (G>T on the coding strand, the complement: WDR35 is on the minus strand). VCF-style: chr2-19953842-C-A. GRCh37 (hg19) VCF-style: chr2-20153603-C-A.
Other names: c.1425G>T, p.Gly475= (NM_001006657.2).
Identifiers: ClinVar variation 1488855 (VCV001488855.8), dbSNP rs1476590827, ClinGen allele CA425121997.

ClinVar aggregate classification (germline): Uncertain significance (1 of 4 stars; one submission).

Conditions:
Cranioectodermal dysplasia 2 (CED2). Identifiers: Orphanet 1515, MedGen C3150874, MONDO:0013323, OMIM 613610.
Short-rib thoracic dysplasia 7 with or without polydactyly (SRTD7). Also called: Short rib polydactyly syndrome 5; SHORT-RIB THORACIC DYSPLASIA 7 WITH POLYDACTYLY. Identifiers: Orphanet 498497, Orphanet 93271, MedGen C3279792, MONDO:0013569, OMIM 614091.

Allele frequency attached by ClinVar (database versions not stated): gnomAD exomes below 0.00001 and 0.00001.

Submission:

Labcorp Genetics (formerly Invitae), Labcorp
Classification: Uncertain significance for Cranioectodermal dysplasia 2; Short-rib thoracic dysplasia 7 with or without polydactyly. Last evaluated: 2022-09-01. Review status: criteria provided, single submitter. Criteria: Invitae Variant Classification Sherloc (09022015). Collection method: clinical testing. Allele origin: germline.
Comment: In summary, the available evidence is currently insufficient to determine the role of this variant in disease. Therefore, it has been classified as a Variant of Uncertain Significance. Algorithms developed to predict the effect of sequence changes on RNA splicing suggest that this variant may create or strengthen a splice site. This sequence change affects codon 475 of the WDR35 mRNA. It is a 'silent' change, meaning that it does not change the encoded amino acid sequence of the WDR35 protein. This variant is present in population databases (no rsID available, gnomAD 0.004%). This variant has not been reported in the literature in individuals affected with WDR35-related conditions.